The following is an entry in ClinVar:

ClinVar aggregate classification (germline): Conflicting classifications of pathogenicity. Review status: criteria provided, conflicting classifications (1 of 4 stars). 12 submissions from 12 submitters: Uncertain significance (11); Benign (1). Last evaluated 2026-10-01.

Conditions:
Hereditary cancer-predisposing syndrome. Also called: Tumor predisposition; Neoplastic Syndromes, Hereditary; Hereditary neoplastic syndrome; Hereditary Cancer Syndrome. Identifiers: Orphanet 140162, MedGen C0027672, MeSH D009386, MONDO:0015356.
Generalized juvenile polyposis/juvenile polyposis coli. Also called: Juvenile polyposis coli. Identifiers: Orphanet 329971, MedGen C1868081, MONDO:0008276.
Polyposis syndrome, hereditary mixed, 2. Identifiers: Orphanet 157794, MedGen C1864730, MONDO:0012405, OMIM 610069.
Juvenile polyposis syndrome (JPS). Identifiers: Orphanet 2929, MedGen C0345893, MONDO:0017380, OMIM 174900.
Pulmonary arterial hypertension associated with congenital heart disease. Identifiers: Orphanet 275803, MedGen C3697119, MONDO:0017152.

Allele frequency attached by ClinVar (database versions not stated): gnomAD exomes 0.00003; gnomAD 0.00004; TOPMed 0.00004; ExAC 0.00005; ESP Exome Variant Server 0.00015.
gnomAD v4.1: 51 of 1,614,090 alleles (0.0032%); highest among the groups gnomAD compares: Non-Finnish European, 0.0042%; no homozygotes.

Submissions (12):

St. Jude Molecular Pathology, St. Jude Children's Research Hospital
Classification: Uncertain significance for Juvenile polyposis syndrome. Last evaluated: 2026-10-01. Review status: criteria provided, single submitter. Criteria: St. Jude Assertion Criteria 2020. Collection method: clinical testing. Allele origin: germline.
Comment: The BMPR1A c.1498A>G p.(Met500Val) missense change has a maximum subpopulation frequency of 0.006% in gnomAD v2.1.1. The in silico tool REVEL is inconclusive about a pathogenic or benign effect of this variant on protein function, and to our knowledge functional studies have not been performed. To our knowledge, this variant has not been reported in individuals with juvenile polyposis syndrome. In summary, the evidence currently available is in sufficient to determine the clinical significance of this variant. It has therefore been classified as of uncertain significance.

Labcorp Genetics (formerly Invitae), Labcorp
Classification: Uncertain significance for Juvenile polyposis syndrome. Last evaluated: 2025-12-23. Review status: criteria provided, single submitter. Criteria: Invitae Variant Classification Sherloc (09022015). Collection method: clinical testing. Allele origin: germline.
Comment: This sequence change replaces methionine, which is neutral and non-polar, with valine, which is neutral and non-polar, at codon 500 of the BMPR1A protein (p.Met500Val). This variant is present in population databases (rs376651641, gnomAD 0.007%). This variant has not been reported in the literature in individuals affected with BMPR1A-related conditions. ClinVar contains an entry for this variant (Variation ID: 301353). Invitae Evidence Modeling incorporating data from in vitro experimental studies (internal data) indicates that this missense variant is not expected to disrupt BMPR1A function with a negative predictive value of 95%. In summary, the available evidence is currently insufficient to determine the role of this variant in disease. Therefore, it has been classified as a Variant of Uncertain Significance.

Center for Genomic Medicine, Rigshospitalet, Copenhagen University Hospital
Classification: Uncertain significance. Last evaluated: 2025-03-04. Review status: criteria provided, single submitter. Criteria: ACMG Guidelines, 2015. Collection method: clinical testing. Allele origin: germline.

All of Us Research Program, National Institutes of Health
Classification: Uncertain significance for Juvenile polyposis syndrome. Last evaluated: 2024-09-23. Review status: criteria provided, single submitter. Criteria: ACMG Guidelines, 2015. Collection method: clinical testing. Allele origin: germline. Inheritance: Autosomal dominant inheritance. Observed: 9 variant alleles, 9 heterozygotes.
Comment: This missense variant replaces methionine with valine at codon 500 of the BMPR1A protein. Computational prediction is inconclusive regarding the impact of this variant on protein structure and function (internally defined REVEL score threshold 0.5 < inconclusive < 0.7, PMID: 27666373). Splice site prediction tools suggest that this variant may not impact RNA splicing. To our knowledge, functional studies have not been performed for this variant. This variant has not been reported in individuals affected with hereditary cancer in the literature. This variant has been identified in 9/282894 chromosomes in the general population by the Genome Aggregation Database (gnomAD). The available evidence is insufficient to determine the role of this variant in disease conclusively. Therefore, this variant is classified as a Variant of Uncertain Significance.

This study involves interpretation of variants in research participants for the purpose of population health screening. Participant phenotype was not available at the time of variant classification. Additional details can be found in publication PMID: 35346344, PMCID: PMC8962531

Color Diagnostics, LLC DBA Color Health
Classification: Uncertain significance for Hereditary cancer-predisposing syndrome. Last evaluated: 2024-04-18. Review status: criteria provided, single submitter. Criteria: ACMG Guidelines, 2015. Collection method: clinical testing. Allele origin: germline.
Comment: This missense variant replaces methionine with valine at codon 500 of the BMPR1A protein. Computational prediction is inconclusive regarding the impact of this variant on protein structure and function (internally defined REVEL score threshold 0.5 < inconclusive < 0.7, PMID: 27666373). To our knowledge, functional studies have not been reported for this variant. This variant has been reported in an individual affected with colorectal cancer and suspected Lynch syndrome (PMID: 37894428). This variant has been identified in 9/282894 chromosomes in the general population by the Genome Aggregation Database (gnomAD). The available evidence is insufficient to determine the role of this variant in disease conclusively. Therefore, this variant is classified as a Variant of Uncertain Significance.

Baylor Genetics
Classification: Uncertain significance for Polyposis syndrome, hereditary mixed, 2. Last evaluated: 2023-10-30. Review status: criteria provided, single submitter. Criteria: ACMG Guidelines, 2015. Collection method: clinical testing. Allele origin: unknown.

GeneDx
Classification: Uncertain significance. Last evaluated: 2023-07-23. Review status: criteria provided, single submitter. Criteria: GeneDx Variant Classification Process June 2021. Collection method: clinical testing. Allele origin: germline. Affected: yes.
Comment: In silico analysis supports that this missense variant has a deleterious effect on protein structure/function; Observed in patients with congenital heart disease; however, has not been reported in relation to juvenile polyposis syndrome to our knowledge (Zhu et al., 2018); This variant is associated with the following publications: (PMID: 34426522, 30029678)

Ambry Genetics
Classification: Benign for Hereditary cancer-predisposing syndrome. Last evaluated: 2023-06-05. Review status: criteria provided, single submitter. Criteria: Ambry Variant Classification Scheme 2023. Collection method: clinical testing. Allele origin: germline.

Sema4
Classification: Uncertain significance for Hereditary cancer-predisposing syndrome. Last evaluated: 2021-11-25. Review status: criteria provided, single submitter. Criteria: Sema4 Curation Guidelines. Collection method: curation. Allele origin: germline.
Comment: The BMPR1A c.1498A>G (p.M500V) variant has not been reported in individuals with BMPR1A-related disease. It has been reported in heterozygosity in one individual with pulmonary arterial hypertension with congenital heart disease (PMID: 30029678). It was observed in 8/129192 chromosomes in the Non-Finnish European subpopulation according to the Genome Aggregation Database (PMID: 32461654). This variant has been reported in ClinVar (Variation ID: 301353). In silico tools suggest the impact of the variant on protein function is inconclusive, though these predictions have not been confirmed by functional studies. The evidence is insufficient to meet ACMG/AMP criteria for classifying the variant as benign or pathogenic. Thus, the clinical significance of this variant is currently uncertain.

Women's Health and Genetics/Laboratory Corporation of America, LabCorp
Classification: Uncertain significance. Last evaluated: 2021-05-22. Review status: criteria provided, single submitter. Criteria: LabCorp Variant Classification Summary - May 2015. Collection method: clinical testing. Allele origin: germline.
Comment: Variant summary: BMPR1A c.1498A>G (p.Met500Val) results in a conservative amino acid change located in the protein kinase domain (IPR000719) of the encoded protein sequence. Three of five in-silico tools predict a damaging effect of the variant on protein function. The variant allele was found at a frequency of 3.2e-05 in 251490 control chromosomes. The available data on variant occurrences in the general population are insufficient to allow any conclusion about variant significance. To our knowledge, no occurrence of c.1498A>G in individuals affected with Juvenile Polyposis Syndrome and no experimental evidence demonstrating its impact on protein function have been reported. Six clinical diagnostic laboratories have submitted clinical-significance assessments for this variant to ClinVar after 2014 without evidence for independent evaluation. All laboratories classified the variant as uncertain significance. Based on the evidence outlined above, the variant was classified as uncertain significance.

Wendy Chung Laboratory, Boston Children's Hospital
Classification: Uncertain significance for Pulmonary arterial hypertension associated with congenital heart disease. Last evaluated: 2018-06-27. Review status: criteria provided, single submitter. Criteria: ACMG Guidelines, 2015. Collection method: case-control. Allele origin: maternal. Affected: yes. Observed: 1 variant allele.

Illumina Laboratory Services, Illumina
Classification: Uncertain significance for Juvenile polyposis syndrome. Last evaluated: 2018-01-13. Review status: criteria provided, single submitter. Criteria: ICSL Variant Classification Criteria 13 December 2019. Collection method: clinical testing. Allele origin: germline.

Literature cited by the submitters: PubMed 37894428 (cited by Color Diagnostics, LLC DBA Color Health); PubMed 30029678 (cited by Sema4 and Wendy Chung Laboratory, Boston Children's Hospital).

NM_004329.3(BMPR1A):c.1498A>G (p.Met500Val)

Gene: BMPR1A (bone morphogenetic protein receptor type 1A; plus strand). Cytogenetic location: 10q23.2.
Variant type: single nucleotide variant.
Coding change: c.1498A>G on transcript NM_004329.3 (MANE Select); coding-DNA position 1498, A replaced by G.
Protein change: p.Met500Val; replaces methionine 500 with valine.
Molecular consequence: missense variant.
Genome position (GRCh38, 1-based): chr10:86,923,618, A>G. VCF-style: chr10-86923618-A-G. GRCh37 (hg19) VCF-style: chr10-88683375-A-G.
Other names: short protein forms M500V.
Identifiers: ClinVar variation 301353 (VCV000301353.36), dbSNP rs376651641, ClinGen allele CA5585743.